The following is an entry in ClinVar:

NM_000179.3(MSH6):c.1235A>C (p.Lys412Thr)

Gene: MSH6 (mutS homolog 6; plus strand). Cytogenetic location: 2p16.3.
Variant type: single nucleotide variant.
Coding change: c.1235A>C on transcript NM_000179.3 (MANE Select); coding-DNA position 1235, A replaced by C.
Protein change: p.Lys412Thr; replaces lysine 412 with threonine.
Molecular consequence: missense variant.
Genome position (GRCh38, 1-based): chr2:47,799,218, A>C. VCF-style: chr2-47799218-A-C. GRCh37 (hg19) VCF-style: chr2-48026357-A-C.
Other names: c.845A>C, p.Lys282Thr (NM_001281492.2); c.329A>C, p.Lys110Thr (NM_001281493.2, NM_001281494.2); short protein forms K412T, K110T, K282T.
Identifiers: ClinVar variation 141120 (VCV000141120.4), dbSNP rs587781508, ClinGen allele CA008341.
Genomic context (GRCh38, chr2:47,799,218, plus strand): 5'-ATGCATCTACACTCTATGTGCCTGAGGATTTCCTCAATTCTTGTACTCCTGGGATGAGGA[A>C]GTGGTGGCAGATTAAGTCTCAGAACTTTGATCTTGTCATCTGTTACAAGGTGGGGAAATT-3'
Protein context (NP_000170.1, residues 402-422): FLNSCTPGMR[Lys412Thr]WWQIKSQNFD

ClinVar aggregate classification (germline): Uncertain significance (1 of 4 stars; one submission).

Conditions:
Hereditary cancer-predisposing syndrome. Also called: Neoplastic Syndromes, Hereditary; Tumor predisposition; Hereditary Cancer Syndrome; Hereditary neoplastic syndrome. Identifiers: Orphanet 140162, MedGen C0027672, MeSH D009386, MONDO:0015356.

gnomAD v4.1: 3 of 1,614,156 alleles (0.00019%); highest among the groups gnomAD compares: Non-Finnish European, 0.00025%; no homozygotes.

Submission:

Ambry Genetics
Classification: Uncertain significance for Hereditary cancer-predisposing syndrome. Last evaluated: 2024-10-03. Review status: criteria provided, single submitter. Criteria: Ambry Variant Classification Scheme 2023. Collection method: clinical testing. Allele origin: germline.
Comment: The p.K412T variant (also known as c.1235A>C), located in coding exon 4 of the MSH6 gene, results from an A to C substitution at nucleotide position 1235. The lysine at codon 412 is replaced by threonine, an amino acid with similar properties. This amino acid position is not well conserved in available vertebrate species. In addition, the in silico prediction for this alteration is inconclusive. Based on the available evidence, the clinical significance of this variant remains unclear.